The following is an entry in ClinVar:

ClinVar aggregate classification (germline): Benign/Likely benign. Review status: criteria provided, multiple submitters, no conflicts (2 of 4 stars). 4 submissions from 4 submitters: Benign (2); Likely benign (2). Last evaluated 2026-02-02.

Conditions:
Congenital myasthenic syndrome 9. Also called: Myasthenic syndrome, congenital, 9, associated with acetylcholine receptor deficiency. Identifiers: Orphanet 590, MedGen C4225368, MONDO:0014587, OMIM 616325.
Fetal akinesia deformation sequence 1 (FADS1). Also called: Fetal akinesia sequence; Pena-Shokeir syndrome type I. Identifiers: Orphanet 994, MedGen C1276035, MONDO:0100101, OMIM 208150, HP:0001989.

Allele frequency attached by ClinVar (database versions not stated): gnomAD exomes 0.00062; ExAC 0.00076; ESP Exome Variant Server 0.00156; gnomAD 0.00250 and 0.00271; TOPMed 0.00305; 1000 Genomes Project 30x 0.00390; 1000 Genomes Project 0.00419.
gnomAD v4.1: 762 of 1,613,874 alleles (0.047%); highest among the groups gnomAD compares: African/African-American, 0.84%; 6 homozygotes.

Submissions (4):

Labcorp Genetics (formerly Invitae), Labcorp
Classification: Benign for Congenital myasthenic syndrome 9; Fetal akinesia deformation sequence 1. Last evaluated: 2026-02-02. Review status: criteria provided, single submitter. Criteria: Invitae Variant Classification Sherloc (09022015). Collection method: clinical testing. Allele origin: germline.

Blueprint Genetics
Classification: Likely benign. Last evaluated: 2024-10-22. Review status: criteria provided, single submitter. Criteria: ACMG Guidelines, 2015. Collection method: clinical testing. Allele origin: germline.

Illumina Laboratory Services, Illumina
Classification: Likely benign for Congenital myasthenic syndrome 9. Last evaluated: 2018-01-12. Review status: criteria provided, single submitter. Criteria: ICSL Variant Classification Criteria 13 December 2019. Collection method: clinical testing. Allele origin: germline.
Comment: This variant was observed in the ICSL laboratory as part of a predisposition screen in an ostensibly healthy population. It had not been previously curated by ICSL or reported in the Human Gene Mutation Database (HGMD: prior to June 1st, 2018), and was therefore a candidate for classification through an automated scoring system. Utilizing variant allele frequency, disease prevalence and penetrance estimates, and inheritance mode, an automated score was calculated to assess if this variant is too frequent to cause the disease. Based on the score and internal cut-off values, a variant classified as likely benign is not then subjected to further curation. The score for this variant resulted in a classification of likely benign for this disease.

Eurofins Ntd Llc (ga)
Classification: Benign. Last evaluated: 2016-08-23. Review status: criteria provided, single submitter. Criteria: EGL Classification Definitions 2015. Collection method: clinical testing. Allele origin: germline. Observed: 1 variant allele, 1 heterozygote.

NM_005592.4(MUSK):c.1062G>A (p.Thr354=)

Gene: MUSK (muscle associated receptor tyrosine kinase; plus strand). Cytogenetic location: 9q31.3.
Variant type: single nucleotide variant.
Coding change: c.1062G>A on transcript NM_005592.4 (MANE Select); coding-DNA position 1062, G replaced by A.
Protein change: p.Thr354=; no amino-acid change (threonine 354 retained).
Molecular consequence: synonymous variant. On other transcripts: 5 prime UTR variant (1), intron variant (2).
Genome position (GRCh38, 1-based): chr9:110,767,961, G>A. VCF-style: chr9-110767961-G-A. GRCh37 (hg19) VCF-style: chr9-113530241-G-A.
Other names: c.-175G>A (NM_001369398.1); c.950+5753G>A (NM_001166280.2); c.920+5753G>A (NM_001166281.2).
Identifiers: ClinVar variation 289236 (VCV000289236.20), dbSNP rs139945437, ClinGen allele CA5184270.
Genomic context (GRCh38, chr9:110,767,961, plus strand): 5'-TGTTTTTCTCAACACCTCCTATGCGGACCCTGAGGAGGCCCAAGAGCTACTGGTCCACAC[G>A]GCCTGGAATGAACTGAAAGTAGTGAGCCCAGTCTGCCGGCCAGCTGCTGAGGCTTTGTTG-3'
Protein context (NP_005583.1, residues 344-364): PEEAQELLVH[Thr354=]AWNELKVVSP